The following is an entry in ClinVar:

NM_000138.5(FBN1):c.6708T>C (p.Tyr2236=)

Gene: FBN1 (fibrillin 1; minus strand). Cytogenetic location: 15q21.1.
Variant type: single nucleotide variant.
Coding change: c.6708T>C on transcript NM_000138.5 (MANE Select); coding-DNA position 6708, T replaced by C.
Protein change: p.Tyr2236=; no amino-acid change (tyrosine 2236 retained).
Molecular consequence: synonymous variant.
Genome position (GRCh38, 1-based): chr15:48,432,897, A>G on the plus strand (T>C on the coding strand, the complement: FBN1 is on the minus strand). VCF-style: chr15-48432897-A-G. GRCh37 (hg19) VCF-style: chr15-48725094-A-G.
Identifiers: ClinVar variation 921820 (VCV000921820.3), dbSNP rs2043034940, ClinGen allele CA490018515.

ClinVar aggregate classification (germline): Likely benign. Review status: criteria provided, multiple submitters, no conflicts (2 of 4 stars). 2 submissions from 2 submitters: Likely benign (2). Last evaluated 2024-03-05.

Conditions:
Marfan syndrome (MFS). Also called: Marfan syndrome, classic; Marfan syndrome type 1; Marfan's syndrome; FBN1-Related Marfan Syndrome; MARFAN SYNDROME, TYPE I. Identifiers: Orphanet 284963, Orphanet 558, MedGen C0024796, MONDO:0007947, OMIM 154700.
Familial thoracic aortic aneurysm and aortic dissection (TAAD). Also called: Thoracic aortic aneurysms and dissections. Identifiers: Orphanet 91387, MedGen C4707243, MONDO:0019625.

Allele frequency attached by ClinVar (database versions not stated): gnomAD exomes below 0.00001.
gnomAD v4.1: 1 of 1,613,752 alleles (0.000062%); no homozygotes.

Submissions (2):

All of Us Research Program, National Institutes of Health
Classification: Likely benign for Marfan syndrome. Last evaluated: 2024-03-05. Review status: criteria provided, single submitter. Criteria: ACMG Guidelines, 2015. Collection method: clinical testing. Allele origin: germline. Inheritance: Autosomal dominant inheritance. Observed: 1 variant allele, 1 heterozygote.
Comment: This study involves interpretation of variants in research participants for the purpose of population health screening. Participant phenotype was not available at the time of variant classification. Additional details can be found in publication PMID: 35346344, PMCID: PMC8962531

Color Diagnostics, LLC DBA Color Health
Classification: Likely benign for Familial thoracic aortic aneurysm and aortic dissection. Last evaluated: 2019-08-19. Review status: criteria provided, single submitter. Criteria: ACMG Guidelines, 2015. Collection method: clinical testing. Allele origin: germline.